The following is an entry in ClinVar:

ClinVar aggregate classification (germline): Pathogenic. Review status: criteria provided, multiple submitters, no conflicts (2 of 4 stars). 15 submissions from 14 submitters: Pathogenic (11). 4 of the submissions do not count toward it. Last evaluated 2025-12-22.

Conditions:
Congenital myasthenic syndrome 16. Identifiers: Orphanet 590, MedGen C3280112, MONDO:0013620, OMIM 614198.
Hyperkalemic periodic paralysis. Also called: Gamstorp disease; Familial hyperkalemic periodic paralysis. Identifiers: Orphanet 682, MedGen C0238357, MONDO:0008224, OMIM 170500, HP:0007215.
Paramyotonia congenita of Von Eulenburg. Also called: Eulenburg disease; Myotonia congenita intermittens; Von Eulenburg paramyotonia congenita; Paramyotonia Congenita; PARALYSIS PERIODICA PARAMYOTONICA. Identifiers: Orphanet 684, MedGen C0221055, MONDO:0008195, OMIM 168300. Disease mechanism: loss of function.
Potassium-aggravated myotonia. Also called: MYOTONIA CONGENITA, ACETAZOLAMIDE-RESPONSIVE; MYOTONIA CONGENITA, ATYPICAL; Myotonia congenita, atypical, acetazolamide-responsive; SODIUM CHANNEL MUSCLE DISEASE. Identifiers: Orphanet 612, Orphanet 99734, Orphanet 99735, Orphanet 99736, MedGen C2931826, MONDO:0018959, OMIM 608390.
Congenital myopathy 22A, classic (CMYO22A). Identifiers: MedGen C5830453, MONDO:0957247, OMIM 620351.
Congenital myopathy 22B, severe fetal (CMYO22B). Identifiers: MedGen C5830501, MONDO:0957265, OMIM 620369.
Hypokalemic periodic paralysis, type 2 (HOKPP2). Identifiers: Orphanet 681, MedGen C2750061, MONDO:0013234, OMIM 613345.
Acetazolamide-responsive myotonia. Identifiers: Orphanet 99736, MedGen C4275008, MONDO:0020483.
SCN4A-related disorder. Also called: SCN4A-related disorders.
Hypokalemic periodic paralysis, type 1. Also called: HypoPP; Hypokalemic Periodic Paralysis Type 1 (AD). Identifiers: Orphanet 681, MedGen C3714580, MONDO:0042979, OMIM 170400.

Allele frequency attached by ClinVar (database versions not stated): TOPMed below 0.00001.

Submissions (15):

Labcorp Genetics (formerly Invitae), Labcorp
Classification: Pathogenic for Hyperkalemic periodic paralysis. Last evaluated: 2025-12-22. Review status: criteria provided, single submitter. Criteria: Invitae Variant Classification Sherloc (09022015). Collection method: clinical testing. Allele origin: germline.
Comment: This sequence change replaces arginine, which is basic and polar, with histidine, which is basic and polar, at codon 672 of the SCN4A protein (p.Arg672His). This variant is present in population databases (rs80338788, gnomAD 0.005%). This missense change has been observed in individual(s) with autosomal dominant hypokalemic periodic paralysis (PMID: 10944223, 14504341, 15596759, 19225109, 22253645, 23019082, 25213595). It has also been observed to segregate with disease in related individuals. ClinVar contains an entry for this variant (Variation ID: 5912). Invitae Evidence Modeling of protein sequence and biophysical properties (such as structural, functional, and spatial information, amino acid conservation, physicochemical variation, residue mobility, and thermodynamic stability) indicates that this missense variant is expected to disrupt SCN4A protein function with a positive predictive value of 95%. Experimental studies have shown that this missense change affects SCN4A function (PMID: 10944223, 11912116, 18824591). This variant disrupts the p.Arg672 amino acid residue in SCN4A. Other variant(s) that disrupt this residue have been determined to be pathogenic (PMID: 10944223, 11558801, 11912116, 15482957, 17330043, 18824591, 19225109, 20660662, 25024265, 26252573). This suggests that this residue is clinically significant, and that variants that disrupt this residue are likely to be disease-causing. For these reasons, this variant has been classified as Pathogenic.

GeneDx
Classification: Pathogenic. Last evaluated: 2025-06-04. Review status: criteria provided, single submitter. Criteria: GeneDx Variant Classification Process June 2021. Collection method: clinical testing. Allele origin: germline. Affected: yes.
Comment: Published functional studies show that this variant alters channel inactivation and decreases current density, thus reducing the number of excitable channels during membrane depolarization (PMID: 20660662, 10944223); In silico analysis supports that this missense variant has a deleterious effect on protein structure/function; Not observed at significant frequency in large population cohorts (gnomAD); This variant is associated with the following publications: (PMID: 18824591, 26252573, 20301669, 32619119, 23019082, 19225109, 10944223, 20301512, 25024265, 33144682, 33389921, 36796140, 36779057, 20660662, 34608571, 25213595, 38609989)

Genomic Medicine Center of Excellence, King Faisal Specialist Hospital and Research Centre
Classification: Pathogenic for Hyperkalemic periodic paralysis. Last evaluated: 2024-12-04. Review status: criteria provided, single submitter. Criteria: ACMG Guidelines, 2015. Collection method: clinical testing. Allele origin: germline.

Dubai Health Genomic Medicine Center, Dubai Health
Classification: Pathogenic for Paramyotonia congenita. Last evaluated: 2024-10-04. Review status: criteria provided, single submitter. Criteria: ACMG Guidelines, 2015. Collection method: research. Allele origin: germline. Affected: yes.
Comment: PS4,PS3,PM2,PP3

Blueprint Genetics
Classification: Pathogenic for SCN4A-related disorders. Last evaluated: 2024-09-04. Review status: criteria provided, single submitter. Criteria: ACMG Guidelines, 2015. Collection method: clinical testing. Allele origin: germline. Affected: yes. Observed: 5 variant alleles.

Women's Health and Genetics/Laboratory Corporation of America, LabCorp
Classification: Pathogenic for Acetazolamide-responsive myotonia. Last evaluated: 2023-09-07. Review status: criteria provided, single submitter. Criteria: LabCorp Variant Classification Summary - May 2015. Collection method: clinical testing. Allele origin: germline.
Comment: Variant summary: SCN4A c.2015G>A (p.Arg672His) results in a non-conservative amino acid change located in the Ion transport domain (IPR005821) of the encoded protein sequence. Four of five in-silico tools predict a damaging effect of the variant on protein function. The variant allele was found at a frequency of 1.2e-05 in 247856 control chromosomes (gnomAD). c.2015G>A has been reported in the literature in multiple individuals affected with Hypokalaemic periodic paralysis (Jurkat-Rott_2000, Horga_2013). These data indicate that the variant is very likely to be associated with disease. Functional studies reported this variant affects SCN4A protein function (Jurkat-Rott_2000, Struyk_2008, Sokolov_2010). The following publications have been ascertained in the context of this evaluation (PMID: 23516313, 10944223, 20660662, 17591984). Six submitters have cited clinical-significance assessments for this variant to ClinVar after 2014. All submitters classified the variant as pathogenic. Based on the evidence outlined above, the variant was classified as pathogenic.

CeGaT Center for Human Genetics Tuebingen
Classification: Pathogenic. Last evaluated: 2022-11-01. Review status: criteria provided, single submitter. Criteria: CeGaT Center For Human Genetics Tuebingen Variant Classification Criteria Version 2. Collection method: clinical testing. Allele origin: germline. Affected: yes. Observed: 3 variant alleles.
Comment: SCN4A: PM1, PM2, PM5, PS4:Moderate, PP3, PS3:Supporting

Fulgent Genetics
Classification: Pathogenic for Paramyotonia congenita of Von Eulenburg; Hypokalemic periodic paralysis, type 1; Hyperkalemic periodic paralysis; Potassium-aggravated myotonia; Hypokalemic periodic paralysis, type 2; Congenital myasthenic syndrome 16. Last evaluated: 2022-03-30. Review status: criteria provided, single submitter. Criteria: ACMG Guidelines, 2015. Collection method: clinical testing. Allele origin: unknown.

Revvity Omics, Revvity
Classification: Pathogenic. Last evaluated: 2019-01-14. Review status: criteria provided, single submitter. Criteria: ACMG Guidelines, 2015. Collection method: clinical testing. Allele origin: germline.

Clinical Genetics Service, Universitary Hospital 12 de Octubre
Classification: Pathogenic for Hypokalemic periodic paralysis, type 2. Review status: criteria provided, single submitter. Criteria: ACMG Guidelines, 2015. Collection method: clinical testing. Allele origin: germline. Affected: yes.

Juno Genomics, Hangzhou Juno Genomics, Inc
Classification: Pathogenic for Congenital myopathy 22A, classic; Congenital myopathy 22B, severe fetal; Hyperkalemic periodic paralysis; Hypokalemic periodic paralysis, type 2; Congenital myasthenic syndrome 16; Potassium-aggravated myotonia; Paramyotonia congenita of Von Eulenburg. Review status: criteria provided, single submitter. Criteria: ACMG Guidelines, 2015. Collection method: clinical testing. Allele origin: germline. Affected: yes.
Comment: Absent from controls (or at extremely low frequency if recessive) in Genome Aggregation Database, Exome Sequencing Project, 1000 Genomes Project, or Exome Aggregation Consortium.;Well-established in vitro or in vivo functional studies supportive of a damaging effect on the gene or gene product.;Novel missense change at an amino acid residue where a different missense change determined to be pathogenic has been seen before.;Co-segregation with disease in multiple affected family members in a gene definitively known to cause the disease.;The prevalence of the variant in affected individuals is significantly increased compared to the prevalence in controls.

Department of Neurology and Geriatrics, Kagoshima University Graduate School of Medical and Dental Sciences
Classification: Pathogenic for Hyperkalemic periodic paralysis. Last evaluated: 2022-04-12. Review status: no assertion criteria provided. Collection method: research. Allele origin: germline. Affected: yes. Not counted in ClinVar's aggregate classification.

OMIM
Classification: Pathogenic for HYPOKALEMIC PERIODIC PARALYSIS, TYPE 2. Last evaluated: 2002-04-01. Review status: no assertion criteria provided. Collection method: literature only. Allele origin: germline. Not counted in ClinVar's aggregate classification.

GeneReviews
No classification provided. Condition: Hypokalemic periodic paralysis, type 2. Review status: no classification provided. Collection method: literature only. Allele origin: germline. Not counted in ClinVar's aggregate classification.

GeneReviews
No classification provided. Condition: Hyperkalemic periodic paralysis. Review status: no classification provided. Collection method: literature only. Allele origin: germline. Affected: yes. Not counted in ClinVar's aggregate classification.

Literature cited by the submitters: PubMed 10944223 (cited by 4 submitters); PubMed 14504341 (cited by Labcorp Genetics (formerly Invitae), Labcorp); PubMed 15596759 (cited by Labcorp Genetics (formerly Invitae), Labcorp); PubMed 19225109 (cited by Labcorp Genetics (formerly Invitae), Labcorp); PubMed 22253645 (cited by Labcorp Genetics (formerly Invitae), Labcorp); PubMed 23019082 (cited by Labcorp Genetics (formerly Invitae), Labcorp); PubMed 25213595 (cited by Labcorp Genetics (formerly Invitae), Labcorp); PubMed 11912116 (cited by Labcorp Genetics (formerly Invitae), Labcorp and OMIM); PubMed 18824591 (cited by Labcorp Genetics (formerly Invitae), Labcorp); PubMed 11558801 (cited by Labcorp Genetics (formerly Invitae), Labcorp); PubMed 15482957 (cited by Labcorp Genetics (formerly Invitae), Labcorp); PubMed 17330043 (cited by Labcorp Genetics (formerly Invitae), Labcorp); PubMed 20660662 (cited by Labcorp Genetics (formerly Invitae), Labcorp and Women's Health and Genetics/Laboratory Corporation of America, LabCorp); PubMed 25024265 (cited by Labcorp Genetics (formerly Invitae), Labcorp); PubMed 26252573 (cited by Labcorp Genetics (formerly Invitae), Labcorp); PubMed 23516313 (cited by Women's Health and Genetics/Laboratory Corporation of America, LabCorp); PubMed 17591984 (cited by Women's Health and Genetics/Laboratory Corporation of America, LabCorp); NCBI Bookshelf NBK1496 (cited by GeneReviews).

NM_000334.4(SCN4A):c.2015G>A (p.Arg672His)

Gene: SCN4A (sodium voltage-gated channel alpha subunit 4; minus strand). Cytogenetic location: 17q23.3.
Variant type: single nucleotide variant.
Coding change: c.2015G>A on transcript NM_000334.4 (MANE Select); coding-DNA position 2015, G replaced by A.
Protein change: p.Arg672His; replaces arginine 672 with histidine.
Molecular consequence: missense variant.
Genome position (GRCh38, 1-based): chr17:63,959,269, C>T on the plus strand (G>A on the coding strand, the complement: SCN4A is on the minus strand). VCF-style: chr17-63959269-C-T. GRCh37 (hg19) VCF-style: chr17-62036629-C-T.
Other names: short protein forms R672H.
Identifiers: ClinVar variation 5912 (VCV000005912.63), dbSNP rs80338788, ClinGen allele CA253652.